The following is an entry in ClinVar:

NM_000548.5(TSC2):c.420G>A (p.Leu140=)

Gene: TSC2 (TSC complex subunit 2; plus strand). Cytogenetic location: 16p13.3.
Variant type: single nucleotide variant.
Coding change: c.420G>A on transcript NM_000548.5 (MANE Select); coding-DNA position 420, G replaced by A.
Protein change: p.Leu140=; no amino-acid change (leucine 140 retained).
Molecular consequence: synonymous variant. On other transcripts: intron variant (1).
Genome position (GRCh38, 1-based): chr16:2,054,379, G>A. VCF-style: chr16-2054379-G-A. GRCh37 (hg19) VCF-style: chr16-2104380-G-A.
Other names: c.420G>A, p.Leu140= (NM_001077183.3, NM_001114382.3, NM_001363528.2 and 3 more transcripts); c.309G>A, p.Leu103= (NM_001318827.2); c.273G>A, p.Leu91= (NM_001318829.2); c.453G>A, p.Leu151= (NM_001318832.2); c.-1-1817G>A (NM_001318831.2); c.420G>A (NM_000548.4).
Identifiers: ClinVar variation 232927 (VCV000232927.18), dbSNP rs876660078, ClinGen allele CA10579871.
Genomic context (GRCh38, chr16:2,054,379, plus strand): 5'-AGCCCTCTTCTTTAAGGTCATCAAGGATTACCCTTCCAACGAAGACCTTCACGAAAGGCT[G>A]GAGGTTTTCAAGGCCCTCACAGACAATGGGAGACACATCACCTACTTGGAGGAAGAGCTG-3'
Protein context (NP_000539.2, residues 130-150): YPSNEDLHER[Leu140=]EVFKALTDNG

ClinVar aggregate classification (germline): Benign/Likely benign. Review status: criteria provided, multiple submitters, no conflicts (2 of 4 stars). 5 submissions from 5 submitters: Benign (2); Likely benign (2). 1 of the submissions does not count toward it. Last evaluated 2026-01-08.

Conditions:
TSC2-related disorder. Also called: TSC2-related condition; TSC2-Related Disorders.
Hereditary cancer-predisposing syndrome. Also called: Hereditary Cancer Syndrome; Neoplastic Syndromes, Hereditary; Tumor predisposition; Hereditary neoplastic syndrome. Identifiers: Orphanet 140162, MedGen C0027672, MeSH D009386, MONDO:0015356.
Tuberous sclerosis 2 (TSC2). Identifiers: Orphanet 805, MedGen C1860707, MONDO:0013199, OMIM 613254.

gnomAD v4.1: 1 of 1,614,242 alleles (0.000062%); no homozygotes.

Submissions (5):

Labcorp Genetics (formerly Invitae), Labcorp
Classification: Likely benign for Tuberous sclerosis 2. Last evaluated: 2026-01-08. Review status: criteria provided, single submitter. Criteria: Invitae Variant Classification Sherloc (09022015). Collection method: clinical testing. Allele origin: germline.

Myriad Genetics, Inc.
Classification: Benign for Tuberous sclerosis 2. Last evaluated: 2025-05-05. Review status: criteria provided, single submitter. Criteria: Myriad Autosomal Dominant, Autosomal Recessive and X-Linked Classification Criteria (2023). Collection method: clinical testing. Allele origin: unknown.
Comment: This variant is considered benign. This variant is a silent/synonymous amino acid change and it is not expected to impact splicing.

Genome-Nilou Lab
Classification: Benign for Tuberous sclerosis 2. Last evaluated: 2021-11-07. Review status: criteria provided, single submitter. Criteria: ACMG Guidelines, 2015. Collection method: clinical testing. Allele origin: germline. Affected: no.

Ambry Genetics
Classification: Likely benign for Hereditary cancer-predisposing syndrome. Last evaluated: 2021-04-07. Review status: criteria provided, single submitter. Criteria: Ambry Variant Classification Scheme 2023. Collection method: clinical testing. Allele origin: germline.

PreventionGenetics, part of Exact Sciences
Classification: Likely benign for TSC2-related condition. Last evaluated: 2024-03-19. Review status: no assertion criteria provided. Collection method: clinical testing. Allele origin: germline. Not counted in ClinVar's aggregate classification.
Comment: This variant is classified as likely benign based on ACMG/AMP sequence variant interpretation guidelines (Richards et al. 2015 PMID: 25741868, with internal and published modifications).